The following is an entry in ClinVar:

NM_001036.6(RYR3):c.11289C>T (p.Thr3763=)

Gene: RYR3 (ryanodine receptor 3; plus strand). Cytogenetic location: 15q14.
Variant type: single nucleotide variant.
Coding change: c.11289C>T on transcript NM_001036.6 (MANE Select); coding-DNA position 11289, C replaced by T.
Protein change: p.Thr3763=; no amino-acid change (threonine 3763 retained).
Molecular consequence: synonymous variant.
Genome position (GRCh38, 1-based): chr15:33,827,242, C>T. VCF-style: chr15-33827242-C-T. GRCh37 (hg19) VCF-style: chr15-34119443-C-T.
Other names: c.11274C>T, p.Thr3758= (NM_001243996.4).
Identifiers: ClinVar variation 461839 (VCV000461839.40), dbSNP rs138744371, ClinGen allele CA7461193.

ClinVar aggregate classification (germline): Benign/Likely benign. Review status: criteria provided, multiple submitters, no conflicts (2 of 4 stars). 4 submissions from 4 submitters: Benign (2); Likely benign (2). Last evaluated 2026-04-01.

Conditions:
Epileptic encephalopathy. Identifiers: MedGen C0543888, HP:0200134.

Allele frequency attached by ClinVar (database versions not stated): 1000 Genomes Project 0.00100; 1000 Genomes Project 30x 0.00109; ExAC 0.00347; gnomAD exomes 0.00420 and 0.00672; TOPMed 0.00431; gnomAD 0.00437 and 0.00493; ESP Exome Variant Server 0.00469.
gnomAD v4.1: 9,982 of 1,552,718 alleles (0.64%); highest among the groups gnomAD compares: Non-Finnish European, 0.79%; 45 homozygotes.

Submissions (4):

CeGaT Center for Human Genetics Tuebingen
Classification: Likely benign. Last evaluated: 2026-04-01. Review status: criteria provided, single submitter. Criteria: CeGaT Center For Human Genetics Tuebingen Variant Classification Criteria Version 2. Collection method: clinical testing. Allele origin: germline. Affected: yes. Observed: 8 variant alleles.
Comment: RYR3: BP4, BP7, BS2

Labcorp Genetics (formerly Invitae), Labcorp
Classification: Benign for Epileptic encephalopathy. Last evaluated: 2025-06-02. Review status: criteria provided, single submitter. Criteria: Invitae Variant Classification Sherloc (09022015). Collection method: clinical testing. Allele origin: germline.

Blueprint Genetics
Classification: Likely benign. Last evaluated: 2024-11-27. Review status: criteria provided, single submitter. Criteria: ACMG Guidelines, 2015. Collection method: clinical testing. Allele origin: germline.

Breakthrough Genomics
Classification: Benign. Review status: criteria provided, single submitter. Criteria: ACMG Guidelines, 2015. Collection method: not provided. Allele origin: germline. Inheritance: Unknown mechanism. Affected: yes.